The following is an entry in ClinVar:

ClinVar aggregate classification (germline): Pathogenic (1 of 4 stars; one submission).

Conditions:
Marfan syndrome (MFS). Also called: MARFAN SYNDROME, TYPE I; Marfan syndrome type 1; Marfan's syndrome; Marfan syndrome, classic; FBN1-Related Marfan Syndrome. Identifiers: Orphanet 284963, Orphanet 558, MedGen C0024796, MONDO:0007947, OMIM 154700.
Familial thoracic aortic aneurysm and aortic dissection (TAAD). Also called: Thoracic aortic aneurysms and dissections. Identifiers: Orphanet 91387, MedGen C4707243, MONDO:0019625.

Submission:

Labcorp Genetics (formerly Invitae), Labcorp
Classification: Pathogenic for Marfan syndrome; Familial thoracic aortic aneurysm and aortic dissection. Last evaluated: 2025-01-27. Review status: criteria provided, single submitter. Criteria: Invitae Variant Classification Sherloc (09022015). Collection method: clinical testing. Allele origin: germline.
Comment: This sequence change replaces glycine, which is neutral and non-polar, with cysteine, which is neutral and slightly polar, at codon 127 of the FBN1 protein (p.Gly127Cys). This variant is not present in population databases (gnomAD no frequency). This missense change has been observed in individuals with clinical features of Marfan syndrome (internal data). ClinVar contains an entry for this variant (Variation ID: 2948127). Invitae Evidence Modeling of protein sequence and biophysical properties (such as structural, functional, and spatial information, amino acid conservation, physicochemical variation, residue mobility, and thermodynamic stability) indicates that this missense variant is expected to disrupt FBN1 protein function with a positive predictive value of 95%. This variant disrupts the p.Gly127 amino acid residue in FBN1. Other variant(s) that disrupt this residue have been observed in individuals with FBN1-related conditions (internal data), which suggests that this may be a clinically significant amino acid residue. For these reasons, this variant has been classified as Pathogenic.

NM_000138.5(FBN1):c.379G>T (p.Gly127Cys)

Gene: FBN1 (fibrillin 1; minus strand). Cytogenetic location: 15q21.1.
Variant type: single nucleotide variant.
Coding change: c.379G>T on transcript NM_000138.5 (MANE Select); coding-DNA position 379, G replaced by T.
Protein change: p.Gly127Cys; replaces glycine 127 with cysteine.
Molecular consequence: missense variant.
Genome position (GRCh38, 1-based): chr15:48,600,202, C>A on the plus strand (G>T on the coding strand, the complement: FBN1 is on the minus strand). VCF-style: chr15-48600202-C-A. GRCh37 (hg19) VCF-style: chr15-48892399-C-A.
Other names: c.379G>T, p.Gly127Cys (NM_001406716.1, NM_001406717.1); short protein forms G127C.
Identifiers: ClinVar variation 2948127 (VCV002948127.3), dbSNP rs1057524165, ClinGen allele CA392446572.
Genomic context (GRCh38, chr15:48,600,202, plus strand): 5'-GTCCACAGTGAGTCCCTATGTATCCTTTCTGGCATAGACAGTGATCGTCACTGCAGCTAC[C>A]TCCATTCATACAGCGAATATTGCAGTGTTGTACTTGAAAAAAAAGAAGAAGAATTCACTT-3'
Protein context (NP_000129.3, residues 117-137): QHCNIRCMNG[Gly127Cys]SCSDDHCLCQ